The following is an entry in ClinVar:

NM_174936.4(PCSK9):c.464C>T (p.Pro155Leu)

Gene: PCSK9 (proprotein convertase subtilisin/kexin type 9; plus strand). Cytogenetic location: 1p32.3.
Variant type: single nucleotide variant.
Coding change: c.464C>T on transcript NM_174936.4 (MANE Select); coding-DNA position 464, C replaced by T.
Protein change: p.Pro155Leu; replaces proline 155 with leucine.
Molecular consequence: missense variant.
Genome position (GRCh38, 1-based): chr1:55,046,587, C>T. VCF-style: chr1-55046587-C-T. GRCh37 (hg19) VCF-style: chr1-55512260-C-T.
Other names: short protein forms P155L.
Identifiers: ClinVar variation 627676 (VCV000627676.12), dbSNP rs775429340, ClinGen allele CA042360.
Genomic context (GRCh38, chr1:55,046,587, plus strand): 5'-TGAAGTTGCCCCATGTCGACTACATCGAGGAGGACTCCTCTGTCTTTGCCCAGAGCATCC[C>T]GTGGAACCTGGAGCGGATTACCCCTCCACGGTACCGGGCGGATGAATACCAGCCCCCCGG-3'
Protein context (NP_777596.2, residues 145-165): EDSSVFAQSI[Pro155Leu]WNLERITPPR

ClinVar aggregate classification (germline): Uncertain significance. Review status: criteria provided, multiple submitters, no conflicts (2 of 4 stars). 4 submissions from 4 submitters: Uncertain significance (4). Last evaluated 2025-07-28.

Conditions:
Familial hypercholesterolemia. Also called: Familial hypercholesterolemias; Familial hypercholesterolaemia. Identifiers: MedGen C0020445, MONDO:0005439.
Hypercholesterolemia, autosomal dominant, 3 (FHCL3). Also called: Familial Hypercholesterolemia, Autosomal Dominant, 3; PCSK9-Related Familial Hypercholesterolemia, Autosomal Dominant; Familial hypercholesterolemia 3. Identifiers: MedGen C1863551, MONDO:0011369, OMIM 603776.

Allele frequency attached by ClinVar (database versions not stated): gnomAD 0.00001 and 0.00003; TOPMed 0.00001; gnomAD exomes 0.00004 and 0.00009; ExAC 0.00012.
gnomAD v4.1: 65 of 1,614,060 alleles (0.004%); highest among the groups gnomAD compares: South Asian, 0.055%; no homozygotes.

Submissions (4):

GeneDx
Classification: Uncertain significance. Last evaluated: 2025-07-28. Review status: criteria provided, single submitter. Criteria: GeneDx Variant Classification Process June 2021. Collection method: clinical testing. Allele origin: germline. Affected: yes.
Comment: In silico analysis supports that this missense variant has a deleterious effect on protein structure/function; This variant is associated with the following publications: (PMID: Pham2021, 32041611, 23535506)

Color Diagnostics, LLC DBA Color Health
Classification: Uncertain significance for Familial hypercholesterolemia. Last evaluated: 2024-12-16. Review status: criteria provided, single submitter. Criteria: ACMG Guidelines, 2015. Collection method: clinical testing. Allele origin: germline.
Comment: This missense variant replaces proline with leucine at codon 155 of the PCSK9 protein. Computational prediction tool is inconclusive regarding the impact of this variant on protein structure and function. An experimental study has shown that this variant abolished autocatalytic processing of the PCSK9 protein, suggesting that the variant may have LDL-C-lowering effect in vivo (PMID: 15358785). This variant been reported in a small Pakistani family affected with familial hypercholesterolemia and did not show segregation with lipid levels (PMID: 23535506). This variant has been identified in 22/251446 chromosomes in the general population by the Genome Aggregation Database (gnomAD). The available evidence is insufficient to determine the role of this variant in disease conclusively. Therefore, this variant is classified as a Variant of Uncertain Significance.

Labcorp Genetics (formerly Invitae), Labcorp
Classification: Uncertain significance for Hypercholesterolemia, autosomal dominant, 3. Last evaluated: 2024-12-05. Review status: criteria provided, single submitter. Criteria: Invitae Variant Classification Sherloc (09022015). Collection method: clinical testing. Allele origin: germline.
Comment: This sequence change replaces proline, which is neutral and non-polar, with leucine, which is neutral and non-polar, at codon 155 of the PCSK9 protein (p.Pro155Leu). This variant is present in population databases (rs775429340, gnomAD 0.07%). This missense change has been observed in individual(s) with hypercholesterolemia (PMID: 23535506). ClinVar contains an entry for this variant (Variation ID: 627676). Invitae Evidence Modeling of protein sequence and biophysical properties (such as structural, functional, and spatial information, amino acid conservation, physicochemical variation, residue mobility, and thermodynamic stability) indicates that this missense variant is not expected to disrupt PCSK9 protein function with a negative predictive value of 80%. In summary, the available evidence is currently insufficient to determine the role of this variant in disease. Therefore, it has been classified as a Variant of Uncertain Significance.

All of Us Research Program, National Institutes of Health
Classification: Uncertain significance for Hypercholesterolemia, autosomal dominant, 3. Last evaluated: 2023-10-30. Review status: criteria provided, single submitter. Criteria: ACMG Guidelines, 2015. Collection method: clinical testing. Allele origin: germline. Inheritance: Autosomal dominant inheritance. Observed: 2 variant alleles, 2 heterozygotes.
Comment: This missense variant replaces proline with leucine at codon 155 of the PCSK9 protein. Computational prediction tools and conservation analyses suggest that this variant may have deleterious impact on the protein function. Computational splicing tools suggest that this variant may not impact the RNA splicing. An experimental study has shown that p.Pro155Ala abolished autocatalytic processing of the PCSK9 protein, suggesting that the variant may have LDL-C-lowering effect in vivo (PMID: 15358785). This variant been reported in a small Pakistani family affected with familial hypercholesterolemia and did not show segregation with lipid levels (PMID: 23535506). This variant has also been identified in 22/251446 chromosomes (21/30616 South Asian chromosomes) in the general population by the Genome Aggregation Database (gnomAD). Although there is no indication that this variant causes disease, available evidence is insufficient to determine the role of this variant in disease conclusively. Therefore, this variant is classified as a Variant of Uncertain Significance.

This study involves interpretation of variants in research participants for the purpose of population health screening. Participant phenotype was not available at the time of variant classification. Additional details can be found in publication PMID: 35346344, PMCID: PMC8962531

Literature cited by the submitters: PubMed 15358785 (cited by Color Diagnostics, LLC DBA Color Health and All of Us Research Program, National Institutes of Health); PubMed 23535506 (cited by 3 submitters).